The following is an entry in ClinVar:

NM_004530.6(MMP2):c.1645G>A (p.Glu549Lys)

Gene: MMP2 (matrix metallopeptidase 2; plus strand). Cytogenetic location: 16q12.2.
Variant type: single nucleotide variant.
Coding change: c.1645G>A on transcript NM_004530.6 (MANE Select); coding-DNA position 1645, G replaced by A.
Protein change: p.Glu549Lys; replaces glutamic acid 549 with lysine.
Molecular consequence: missense variant.
Genome position (GRCh38, 1-based): chr16:55,498,324, G>A. VCF-style: chr16-55498324-G-A. GRCh37 (hg19) VCF-style: chr16-55532236-G-A.
Other names: c.1495G>A, p.Glu499Lys (NM_001127891.3); c.1417G>A, p.Glu473Lys (NM_001302508.1, NM_001302509.2, NM_001302510.2); c.1645G>A (NM_004530.4); short protein forms E473K, E549K, E499K.
Identifiers: ClinVar variation 2048391 (VCV002048391.2), dbSNP rs755274290, ClinGen allele CA8060519.

ClinVar aggregate classification (germline): Uncertain significance. Review status: criteria provided, multiple submitters, no conflicts (2 of 4 stars). 2 submissions from 2 submitters: Uncertain significance (2). Last evaluated 2025-11-19.

Conditions:
Inborn genetic diseases. Identifiers: MedGen C0950123, MeSH D030342.

Allele frequency attached by ClinVar (database versions not stated): TOPMed 0.00003; gnomAD 0.00006; ExAC 0.00002.
gnomAD v4.1: 66 of 1,614,116 alleles (0.0041%); highest among the groups gnomAD compares: Non-Finnish European, 0.0053%; no homozygotes.

Submissions (2):

Ambry Genetics
Classification: Uncertain significance for Inborn genetic diseases. Last evaluated: 2025-11-19. Review status: criteria provided, single submitter. Criteria: Ambry Variant Classification Scheme 2023. Collection method: clinical testing. Allele origin: germline.

Labcorp Genetics (formerly Invitae), Labcorp
Classification: Uncertain significance. Last evaluated: 2022-05-16. Review status: criteria provided, single submitter. Criteria: Invitae Variant Classification Sherloc (09022015). Collection method: clinical testing. Allele origin: germline.
Comment: This sequence change replaces glutamic acid, which is acidic and polar, with lysine, which is basic and polar, at codon 549 of the MMP2 protein (p.Glu549Lys). This variant is present in population databases (rs755274290, gnomAD 0.006%). This variant has not been reported in the literature in individuals affected with MMP2-related conditions. Algorithms developed to predict the effect of missense changes on protein structure and function (SIFT, PolyPhen-2, Align-GVGD) all suggest that this variant is likely to be tolerated. In summary, the available evidence is currently insufficient to determine the role of this variant in disease. Therefore, it has been classified as a Variant of Uncertain Significance.